The following is an entry in ClinVar:

ClinVar aggregate classification (germline): Likely pathogenic (1 of 4 stars; one submission).

Conditions:
Alport syndrome. Also called: Hemorrhagic familial nephritis; Hemorrhagic hereditary nephritis; Congenital hereditary hematuria. Identifiers: Orphanet 63, MedGen C1567741, MONDO:0018965.

Submission:

Natera, Inc.
Classification: Likely pathogenic for Alport syndrome. Last evaluated: 2025-09-04. Review status: criteria provided, single submitter. Criteria: Natera Variant Classification Schema (03/2026). Collection method: clinical testing. Allele origin: germline.
Comment: The c.1570G>C variant in COL4A4 is a missense variant predicted to cause substitution of glycine to arginine at amino acid 524. This variant is rare in the general population with a frequency below the threshold expected for the associated phenotype(s). This variant is located in a functionally critical region of the protein. A different variant at the same position has been determined to be Pathogenic or Likely Pathogenic. Computational prediction algorithms indicate this variant is likely to affect gene or protein function. Given the available evidence, this variant is classified as Likely Pathogenic.

NM_000092.5(COL4A4):c.1570G>C (p.Gly524Arg)

Gene: COL4A4 (collagen type IV alpha 4 chain; minus strand). Cytogenetic location: 2q36.3.
Variant type: single nucleotide variant.
Coding change: c.1570G>C on transcript NM_000092.5 (MANE Select); coding-DNA position 1570, G replaced by C.
Protein change: p.Gly524Arg; replaces glycine 524 with arginine.
Molecular consequence: missense variant.
Genome position (GRCh38, 1-based): chr2:227,088,706, C>G on the plus strand (G>C on the coding strand, the complement: COL4A4 is on the minus strand). VCF-style: chr2-227088706-C-G. GRCh37 (hg19) VCF-style: chr2-227953422-C-G.
Other names: short protein forms G524R.
Identifiers: ClinVar variation 4817292 (VCV004817292.1).